The following is an entry in ClinVar:

ClinVar aggregate classification (germline): Uncertain significance. Review status: criteria provided, multiple submitters, no conflicts (2 of 4 stars). 3 submissions from 3 submitters: Uncertain significance (3). Last evaluated 2023-09-21.

Conditions:
PRRT2-Associated Paroxysmal Movement Disorders.
Episodic kinesigenic dyskinesia (EKD). Also called: Paroxysmal kinesigenic dyskinesia. Identifiers: Orphanet 98809, MedGen C1868682, MONDO:0044202.

Allele frequency attached by ClinVar (database versions not stated): gnomAD exomes 0.00001; TOPMed 0.00001.
gnomAD v4.1: 13 of 1,611,022 alleles (0.00081%); highest among the groups gnomAD compares: Non-Finnish European, 0.0011%; no homozygotes.

Submissions (3):

Labcorp Genetics (formerly Invitae), Labcorp
Classification: Uncertain significance for Episodic kinesigenic dyskinesia. Last evaluated: 2023-09-21. Review status: criteria provided, single submitter. Criteria: Invitae Variant Classification Sherloc (09022015). Collection method: clinical testing. Allele origin: germline.
Comment: In summary, the available evidence is currently insufficient to determine the role of this variant in disease. Therefore, it has been classified as a Variant of Uncertain Significance. Advanced modeling of protein sequence and biophysical properties (such as structural, functional, and spatial information, amino acid conservation, physicochemical variation, residue mobility, and thermodynamic stability) performed at Invitae indicates that this missense variant is not expected to disrupt PRRT2 protein function. ClinVar contains an entry for this variant (Variation ID: 468620). This variant has not been reported in the literature in individuals affected with PRRT2-related conditions. This variant is not present in population databases (gnomAD no frequency). This sequence change replaces serine, which is neutral and polar, with proline, which is neutral and non-polar, at codon 249 of the PRRT2 protein (p.Ser249Pro).

Illumina Laboratory Services, Illumina
Classification: Uncertain significance for PRRT2-Associated Paroxysmal Movement Disorders. Last evaluated: 2023-02-14. Review status: criteria provided, single submitter. Criteria: ICSLVariantClassificationCriteria RUGD 01 April 2020. Collection method: clinical testing. Allele origin: unknown.
Comment: The PRRT2 c.745T>C (p.Ser249Pro) missense variant results in the substitution of serine at amino acid position 249 with proline. To our knowledge, this variant has not been reported in the peer-reviewed literature. This variant is not found in version 2.1.1 or version 3.1.2 of the Genome Aggregation Database. Based on the available evidence, the c.745T>C (p.Ser249Pro) variant is classified as a variant of uncertain significance for PRRT2-associated paroxysmal movement disorders.

Dubai Health Genomic Medicine Center, Dubai Health
Classification: Uncertain significance. Last evaluated: 2022-12-17. Review status: criteria provided, single submitter. Criteria: ACMG Guidelines, 2015. Collection method: clinical testing. Allele origin: germline. Affected: yes.

NM_145239.3(PRRT2):c.745T>C (p.Ser249Pro)

Genes: MVP-DT (MVP divergent transcript; minus strand), PRRT2 (proline rich transmembrane protein 2; plus strand). Cytogenetic location: 16p11.2.
Variant type: single nucleotide variant.
Coding change: c.745T>C on transcript NM_145239.3 (MANE Select); coding-DNA position 745, T replaced by C.
Protein change: p.Ser249Pro; replaces serine 249 with proline.
Molecular consequence: missense variant.
Genome position (GRCh38, 1-based): chr16:29,813,799, T>C. VCF-style: chr16-29813799-T-C. GRCh37 (hg19) VCF-style: chr16-29825120-T-C.
Other names: c.745T>C, p.Ser249Pro (NM_001256442.2, NM_001256443.2); short protein forms S249P.
Identifiers: ClinVar variation 468620 (VCV000468620.13), dbSNP rs944092875, ClinGen allele CA280410239.